The following is an entry in ClinVar:

ClinVar aggregate classification (germline): Benign. Review status: criteria provided, multiple submitters, no conflicts (2 of 4 stars). 6 submissions from 6 submitters: Benign (5). 1 of the submissions does not count toward it. Last evaluated 2026-02-01.

Conditions:
Meckel syndrome, type 11 (MKS11). Identifiers: Orphanet 564, MedGen C3809352, MONDO:0014164, OMIM 615397.
Joubert syndrome 20 (JBTS20). Identifiers: Orphanet 475, MedGen C3554235, MONDO:0013994, OMIM 614970.

Allele frequency attached by ClinVar (database versions not stated): ExAC 0.00558; ESP Exome Variant Server 0.01047; gnomAD 0.01235 and 0.01307; TOPMed 0.01286; 1000 Genomes Project 0.01438; 1000 Genomes Project 30x 0.01608.
gnomAD v4.1: 3,653 of 1,604,596 alleles (0.23%); highest among the groups gnomAD compares: African/African-American, 4.1%; 87 homozygotes.

Submissions (6):

Labcorp Genetics (formerly Invitae), Labcorp
Classification: Benign for Joubert syndrome 20; Meckel syndrome, type 11. Last evaluated: 2026-02-01. Review status: criteria provided, single submitter. Criteria: Invitae Variant Classification Sherloc (09022015). Collection method: clinical testing. Allele origin: germline.

Mayo Clinic Laboratories, Mayo Clinic
Classification: Benign. Last evaluated: 2025-02-20. Review status: criteria provided, single submitter. Criteria: ACMG Guidelines, 2015. Collection method: clinical testing. Allele origin: germline. Observed: 1 variant allele.
Comment: BS1, BS2, BP4, BP7

GeneDx
Classification: Benign. Last evaluated: 2017-02-06. Review status: criteria provided, single submitter. Criteria: GeneDx Variant Classification (06012015). Collection method: clinical testing. Allele origin: germline. Affected: yes.
Comment: This variant is considered likely benign or benign based on one or more of the following criteria: it is a conservative change, it occurs at a poorly conserved position in the protein, it is predicted to be benign by multiple in silico algorithms, and/or has population frequency not consistent with disease.

Breakthrough Genomics
Classification: Benign. Review status: criteria provided, single submitter. Criteria: ACMG Guidelines, 2015. Collection method: not provided. Allele origin: germline. Inheritance: Autosomal recessive inheritance. Affected: yes.

PreventionGenetics, part of Exact Sciences
Classification: Benign. Review status: criteria provided, single submitter. Criteria: ACMG Guidelines, 2015. Collection method: clinical testing. Allele origin: germline.

Genetic Services Laboratory, University of Chicago
Classification: Likely benign for AllHighlyPenetrant. Review status: no assertion criteria provided. Collection method: clinical testing. Allele origin: germline. Inheritance: Autosomal recessive inheritance. Not counted in ClinVar's aggregate classification.
Comment: Likely benign based on allele frequency in 1000 Genomes Project or ESP global frequency and its presence in a patient with a rare or unrelated disease phenotype. NOT Sanger confirmed.

NM_001077418.3(TMEM231):c.177G>C (p.Pro59=)

Gene: TMEM231 (transmembrane protein 231; minus strand). Cytogenetic location: 16q23.1.
Variant type: single nucleotide variant.
Coding change: c.177G>C on transcript NM_001077418.3 (MANE Select); coding-DNA position 177, G replaced by C.
Protein change: p.Pro59=; no amino-acid change (proline 59 retained).
Molecular consequence: synonymous variant. On other transcripts: non-coding transcript variant (1).
Genome position (GRCh38, 1-based): chr16:75,555,936, C>G on the plus strand (G>C on the coding strand, the complement: TMEM231 is on the minus strand). VCF-style: chr16-75555936-C-G. GRCh37 (hg19) VCF-style: chr16-75589834-C-G.
Other names: p.Pro112=; c.336G>C, p.Pro112= (NM_001077416.2).
Identifiers: ClinVar variation 130588 (VCV000130588.19), dbSNP rs78196225, ClinGen allele CA155717.